The following is an entry in ClinVar:

ClinVar aggregate classification (germline): Uncertain significance (1 of 4 stars; one submission).

Conditions:
Spinocerebellar ataxia, autosomal recessive, with axonal neuropathy 2 (SCAN2). Also called: Ataxia with Oculomotor Apraxia Type 2; Ataxia-ocular apraxia-2; ATAXIA-OCULOMOTOR APRAXIA 2; Ataxia with Oculomotor Apraxia. Identifiers: Orphanet 64753, MedGen C1853761, MONDO:0018996, OMIM 606002.

Submission:

Laboratorio de Genetica e Diagnostico Molecular, Hospital Israelita Albert Einstein
Classification: Uncertain significance for Spinocerebellar ataxia, autosomal recessive, with axonal neuropathy 2. Last evaluated: 2021-10-18. Review status: criteria provided, single submitter. Criteria: ACMG Guidelines, 2015. Collection method: clinical testing. Allele origin: germline. Affected: yes.
Comment: ACMG classification criteria: PM2 moderate, PP3 supporting

NM_015046.7(SETX):c.5890C>T (p.Pro1964Ser)

Gene: SETX (senataxin; minus strand). Cytogenetic location: 9q34.13.
Variant type: single nucleotide variant.
Coding change: c.5890C>T on transcript NM_015046.7 (MANE Select); coding-DNA position 5890, C replaced by T.
Protein change: p.Pro1964Ser; replaces proline 1964 with serine.
Molecular consequence: missense variant.
Genome position (GRCh38, 1-based): chr9:132,296,946, G>A on the plus strand (C>T on the coding strand, the complement: SETX is on the minus strand). VCF-style: chr9-132296946-G-A. GRCh37 (hg19) VCF-style: chr9-135172333-G-A.
Other names: c.5890C>T, p.Pro1964Ser (NM_001351527.2, NM_001351528.2); short protein forms P1964S.
Identifiers: ClinVar variation 1683670 (VCV001683670.2), dbSNP rs1403263153, ClinGen allele CA375344057.